The following is an entry in ClinVar:

NM_001374353.1(GLI2):c.4496T>C (p.Met1499Thr)

Gene: GLI2 (GLI family zinc finger 2; plus strand). Cytogenetic location: 2q14.2.
Variant type: single nucleotide variant.
Coding change: c.4496T>C on transcript NM_001374353.1 (MANE Select); coding-DNA position 4496, T replaced by C.
Protein change: p.Met1499Thr; replaces methionine 1499 with threonine.
Molecular consequence: missense variant.
Genome position (GRCh38, 1-based): chr2:120,990,461, T>C. VCF-style: chr2-120990461-T-C. GRCh37 (hg19) VCF-style: chr2-121748037-T-C.
Other names: c.4547T>C, p.Met1516Thr (NM_001371271.1, NM_005270.5); c.4121T>C, p.Met1374Thr (NM_001374354.1); short protein forms M1374T, M1499T, M1516T.
Identifiers: ClinVar variation 4688538 (VCV004688538.1).

ClinVar aggregate classification (germline): Uncertain significance (1 of 4 stars; one submission).

Submission:

Women's Health and Genetics/Laboratory Corporation of America, LabCorp
Classification: Uncertain significance. Last evaluated: 2025-12-05. Review status: criteria provided, single submitter. Criteria: LabCorp Variant Classification Summary - May 2015. Collection method: clinical testing. Allele origin: germline.
Comment: Variant summary: GLI2 c.4547T>C (p.Met1516Thr) results in a non-conservative amino acid change in the encoded protein sequence. Algorithms developed to predict the effect of missense changes on protein structure and function are either unavailable or do not agree on the potential impact of this missense change. The variant allele was found at a frequency of 1.6e-05 in 251202 control chromosomes. The available data on variant occurrences in the general population are insufficient to allow any conclusion about variant significance. To our knowledge, no occurrence of c.4547T>C in individuals affected with GLI2-related conditions and no experimental evidence demonstrating its impact on protein function have been reported. No submitters have cited clinical-significance assessments for this variant to ClinVar. Based on the evidence outlined above, the variant was classified as uncertain significance.